The following is an entry in ClinVar:

NM_006060.6(IKZF1):c.1192A>G (p.Thr398Ala)

Gene: IKZF1 (IKAROS family zinc finger 1; plus strand). Cytogenetic location: 7p12.2.
Variant type: single nucleotide variant.
Coding change: c.1192A>G on transcript NM_006060.6 (MANE Select); coding-DNA position 1192, A replaced by G.
Protein change: p.Thr398Ala; replaces threonine 398 with alanine.
Molecular consequence: missense variant.
Genome position (GRCh38, 1-based): chr7:50,400,259, A>G. VCF-style: chr7-50400259-A-G. GRCh37 (hg19) VCF-style: chr7-50467957-A-G.
Other names: c.1066A>G, p.Thr356Ala (NM_001220765.3, NM_001291837.2); c.901A>G, p.Thr301Ala (NM_001220767.2); c.931A>G, p.Thr311Ala (NM_001220768.2, NM_001291838.2); c.775A>G, p.Thr259Ala (NM_001220770.2); c.763A>G, p.Thr255Ala (NM_001220771.2, NM_001291841.1); c.805A>G, p.Thr269Ala (NM_001291839.2); c.502A>G, p.Thr168Ala (NM_001291840.1); c.733A>G, p.Thr245Ala (NM_001291842.1); and 3 more; short protein forms T255A, T269A, T311A, T356A, T398A, T245A, T301A, T418A.
Identifiers: ClinVar variation 2730657 (VCV002730657.3), dbSNP rs2538936377, ClinGen allele CA367524619.

ClinVar aggregate classification (germline): Uncertain significance (1 of 4 stars; one submission).

Submission:

Labcorp Genetics (formerly Invitae), Labcorp
Classification: Uncertain significance. Last evaluated: 2023-05-26. Review status: criteria provided, single submitter. Criteria: Invitae Variant Classification Sherloc (09022015). Collection method: clinical testing. Allele origin: germline.
Comment: In summary, the available evidence is currently insufficient to determine the role of this variant in disease. Therefore, it has been classified as a Variant of Uncertain Significance. An algorithm developed to predict the effect of missense changes on protein structure and function (PolyPhen-2) suggests that this variant is likely to be disruptive. This variant has not been reported in the literature in individuals affected with IKZF1-related conditions. This variant is not present in population databases (gnomAD no frequency). This sequence change replaces threonine, which is neutral and polar, with alanine, which is neutral and non-polar, at codon 398 of the IKZF1 protein (p.Thr398Ala).